The following is an entry in ClinVar:

ClinVar aggregate classification (germline): Uncertain significance. Review status: criteria provided, multiple submitters, no conflicts (2 of 4 stars). 2 submissions from 2 submitters: Uncertain significance (2). Last evaluated 2022-04-12.

Conditions:
Hereditary cancer-predisposing syndrome. Also called: Hereditary neoplastic syndrome; Tumor predisposition; Hereditary Cancer Syndrome; Neoplastic Syndromes, Hereditary. Identifiers: Orphanet 140162, MedGen C0027672, MeSH D009386, MONDO:0015356.

Submissions (2):

Ambry Genetics
Classification: Uncertain significance for Hereditary cancer-predisposing syndrome. Last evaluated: 2022-04-12. Review status: criteria provided, single submitter. Criteria: Ambry Variant Classification Scheme 2023. Collection method: clinical testing. Allele origin: germline.
Comment: The p.Q479K variant (also known as c.1435C>A), located in coding exon 4 of the PALB2 gene, results from a C to A substitution at nucleotide position 1435. The glutamine at codon 479 is replaced by lysine, an amino acid with similar properties. This amino acid position is conserved. In addition, this alteration is predicted to be tolerated by in silico analysis. Since supporting evidence is limited at this time, the clinical significance of this alteration remains unclear.

Color Diagnostics, LLC DBA Color Health
Classification: Uncertain significance for Hereditary cancer-predisposing syndrome. Last evaluated: 2018-08-25. Review status: criteria provided, single submitter. Criteria: ACMG Guidelines, 2015. Collection method: clinical testing. Allele origin: germline.

NM_024675.4(PALB2):c.1435C>A (p.Gln479Lys)

Gene: PALB2 (partner and localizer of BRCA2; minus strand). Cytogenetic location: 16p12.2.
Variant type: single nucleotide variant.
Coding change: c.1435C>A on transcript NM_024675.4 (MANE Select); coding-DNA position 1435, C replaced by A.
Protein change: p.Gln479Lys; replaces glutamine 479 with lysine.
Molecular consequence: missense variant.
Genome position (GRCh38, 1-based): chr16:23,635,111, G>T on the plus strand (C>A on the coding strand, the complement: PALB2 is on the minus strand). VCF-style: chr16-23635111-G-T. GRCh37 (hg19) VCF-style: chr16-23646432-G-T.
Other names: short protein forms Q479K.
Identifiers: ClinVar variation 492161 (VCV000492161.5), dbSNP rs1060502761, ClinGen allele CA395131281.